The following is an entry in ClinVar:

NM_001077365.2(POMT1):c.1399C>T (p.Arg467Trp)

Gene: POMT1 (protein O-mannosyltransferase 1; plus strand). Cytogenetic location: 9q34.13.
Variant type: single nucleotide variant.
Coding change: c.1399C>T on transcript NM_001077365.2 (MANE Select); coding-DNA position 1399, C replaced by T.
Protein change: p.Arg467Trp; replaces arginine 467 with tryptophan.
Molecular consequence: missense variant. On other transcripts: non-coding transcript variant (10), intron variant (1).
Genome position (GRCh38, 1-based): chr9:131,518,870, C>T. VCF-style: chr9-131518870-C-T. GRCh37 (hg19) VCF-style: chr9-134394257-C-T.
Other names: c.1237C>T, p.Arg413Trp (NM_001077366.2, NM_001353194.2); c.1399C>T, p.Arg467Trp (NM_001136113.2); c.1048C>T, p.Arg350Trp (NM_001136114.2, NM_001353195.2, NM_001374691.1 and 2 more transcripts); c.1465C>T, p.Arg489Trp (NM_001353193.2, NM_007171.4); c.1309C>T, p.Arg437Trp (NM_001353196.2); c.1303C>T, p.Arg435Trp (NM_001353197.2, NM_001353198.2); c.1114C>T, p.Arg372Trp (NM_001353199.2); c.943C>T, p.Arg315Trp (NM_001353200.2); and 3 more; short protein forms R463W, R489W, R315W, R350W, R413W, R435W, R437W, R337W.
Identifiers: ClinVar variation 857249 (VCV000857249.7), dbSNP rs770668718, ClinGen allele CA5293688.

ClinVar aggregate classification (germline): Uncertain significance (1 of 4 stars; one submission).

Conditions:
Walker-Warburg congenital muscular dystrophy. Also called: Muscular dystrophy-dystroglycanopathy, type A; Walker-Warburg syndrome. Identifiers: Orphanet 899, MedGen C0265221, MONDO:0000171.
Autosomal recessive limb-girdle muscular dystrophy type 2K. Also called: MUSCULAR DYSTROPHY, LIMB-GIRDLE, TYPE 2K; MUSCULAR DYSTROPHY-DYSTROGLYCANOPATHY (LIMB-GIRDLE), TYPE C, 1. Identifiers: Orphanet 86812, MedGen C1836373, MONDO:0012248, OMIM 609308.
Muscular dystrophy-dystroglycanopathy (congenital with impaired intellectual development), type B, 1. Also called: MUSCULAR DYSTROPHY, CONGENITAL, POMT1-RELATED; Muscular dystrophy-dystroglycanopathy (congenital with intellectual disability), type B1. Identifiers: MedGen C5436962, MONDO:0013159, OMIM 613155.

Allele frequency attached by ClinVar (database versions not stated): gnomAD exomes 0.00001 and below 0.00001; ExAC 0.00001; TOPMed 0.00001.
gnomAD v4.1: 12 of 1,613,982 alleles (0.00074%); highest among the groups gnomAD compares: South Asian, 0.0011%; no homozygotes.

Submission:

Labcorp Genetics (formerly Invitae), Labcorp
Classification: Uncertain significance for Muscular dystrophy-dystroglycanopathy (congenital with impaired intellectual development), type B, 1; Walker-Warburg congenital muscular dystrophy; Autosomal recessive limb-girdle muscular dystrophy type 2K. Last evaluated: 2021-08-31. Review status: criteria provided, single submitter. Criteria: Invitae Variant Classification Sherloc (09022015). Collection method: clinical testing. Allele origin: germline.
Comment: This sequence change replaces arginine with tryptophan at codon 489 of the POMT1 protein (p.Arg489Trp). The arginine residue is moderately conserved and there is a moderate physicochemical difference between arginine and tryptophan. This variant is present in population databases (rs770668718, ExAC 0.002%). This variant has not been reported in the literature in individuals affected with POMT1-related conditions. Algorithms developed to predict the effect of missense changes on protein structure and function output the following: SIFT: "Deleterious"; PolyPhen-2: "Benign"; Align-GVGD: "Class C15". The tryptophan amino acid residue is found in multiple mammalian species, which suggests that this missense change does not adversely affect protein function. In summary, the available evidence is currently insufficient to determine the role of this variant in disease. Therefore, it has been classified as a Variant of Uncertain Significance.